The following is an entry in ClinVar:

ClinVar aggregate classification (germline): Likely benign (0 of 4 stars; one submission).

Conditions:
VPS13B-related disorder. Also called: VPS13B-related condition.

Allele frequency attached by ClinVar (database versions not stated): gnomAD 0.00001; TOPMed 0.00002.

Submission:

PreventionGenetics, part of Exact Sciences
Classification: Likely benign for VPS13B-related condition. Last evaluated: 2021-11-03. Review status: no assertion criteria provided. Collection method: clinical testing. Allele origin: germline.
Comment: This variant is classified as likely benign based on ACMG/AMP sequence variant interpretation guidelines (Richards et al. 2015 PMID: 25741868, with internal and published modifications).

NC_000008.11:g.100471416C>T

Gene: VPS13B (vacuolar protein sorting 13 homolog B; plus strand). Cytogenetic location: 8q22.2.
Variant type: single nucleotide variant.
Genome position: GRCh38 VCF-style: chr8-100471416-C-T. GRCh37 (hg19) VCF-style: chr8-101483644-C-T.
Identifiers: ClinVar variation 3030982 (VCV003030982.2), dbSNP rs1260347821, ClinGen allele CA844608166.